The following is an entry in ClinVar:

NM_001252024.2(TRPM1):c.750G>T (p.Arg250Ser)

Gene: TRPM1 (transient receptor potential cation channel subfamily M member 1; minus strand). Cytogenetic location: 15q13.3.
Variant type: single nucleotide variant.
Coding change: c.750G>T on transcript NM_001252024.2 (MANE Select); coding-DNA position 750, G replaced by T.
Protein change: p.Arg250Ser; replaces arginine 250 with serine.
Molecular consequence: missense variant.
Genome position (GRCh38, 1-based): chr15:31,066,116, C>A on the plus strand (G>T on the coding strand, the complement: TRPM1 is on the minus strand). VCF-style: chr15-31066116-C-A. GRCh37 (hg19) VCF-style: chr15-31358319-C-A.
Other names: c.801G>T, p.Arg267Ser (NM_001252020.2); c.684G>T, p.Arg228Ser (NM_002420.6); short protein forms R228S, R250S, R267S.
Identifiers: ClinVar variation 1714453 (VCV001714453.3), dbSNP rs760170518, ClinGen allele CA7452856.
Genomic context (GRCh38, chr15:31,066,116, plus strand): 5'-GTGCCTTTGCCAGCACTTACTTGTGTTGATCTTCTGCAGGGAGATGTGCTTTTCCAGCAG[C>A]CTTCGCAGCTTCACCTCGGCGCCATACTTGCCCAGGGTGCCATTGTCAGCCAGGATGAAG-3'
Protein context (NP_001238953.1, residues 240-260): GKYGAEVKLR[Arg250Ser]LLEKHISLQK

ClinVar aggregate classification (germline): Uncertain significance (1 of 4 stars; one submission).

Allele frequency attached by ClinVar (database versions not stated): ExAC 0.00001; TOPMed 0.00001; gnomAD 0.00002.
gnomAD v4.1: 6 of 1,614,060 alleles (0.00037%); highest among the groups gnomAD compares: African/African-American, 0.004%; no homozygotes.

Submission:

Labcorp Genetics (formerly Invitae), Labcorp
Classification: Uncertain significance. Last evaluated: 2022-08-21. Review status: criteria provided, single submitter. Criteria: Invitae Variant Classification Sherloc (09022015). Collection method: clinical testing. Allele origin: germline.
Comment: In summary, the available evidence is currently insufficient to determine the role of this variant in disease. Therefore, it has been classified as a Variant of Uncertain Significance. Algorithms developed to predict the effect of missense changes on protein structure and function (SIFT, PolyPhen-2, Align-GVGD) all suggest that this variant is likely to be disruptive. This variant has not been reported in the literature in individuals affected with TRPM1-related conditions. This variant is present in population databases (rs760170518, gnomAD 0.01%). This sequence change replaces arginine, which is basic and polar, with serine, which is neutral and polar, at codon 228 of the TRPM1 protein (p.Arg228Ser).